The following is an entry in ClinVar:

NM_000548.5(TSC2):c.1810C>G (p.Leu604Val)

Gene: TSC2 (TSC complex subunit 2; plus strand). Cytogenetic location: 16p13.3.
Variant type: single nucleotide variant.
Coding change: c.1810C>G on transcript NM_000548.5 (MANE Select); coding-DNA position 1810, C replaced by G.
Protein change: p.Leu604Val; replaces leucine 604 with valine.
Molecular consequence: missense variant. On other transcripts: non-coding transcript variant (5).
Genome position (GRCh38, 1-based): chr16:2,070,549, C>G. VCF-style: chr16-2070549-C-G. GRCh37 (hg19) VCF-style: chr16-2120550-C-G.
Other names: c.1699C>G, p.Leu567Val (NM_001318827.2, NM_001406670.1, NM_001406678.1); c.1663C>G, p.Leu555Val (NM_001318829.2, NM_001406679.1, NM_001406675.1 and 1 more transcripts); c.1210C>G, p.Leu404Val (NM_001318831.2, NM_001406680.1, NM_001406682.1 and 6 more transcripts); c.1843C>G, p.Leu615Val (NM_001318832.2); c.1810C>G, p.Leu604Val (NM_001363528.2, NM_001370404.1, NM_001370405.1 and 6 more transcripts); c.1348C>G, p.Leu450Val (NM_001406681.1); c.1900C>G, p.Leu634Val (NM_001406667.1, NM_001406668.1); c.1798C>G, p.Leu600Val (NM_001406671.1, NM_001406673.1); and 3 more; short protein forms L567V, L70V, L600V, L604V, L615V, L156V, L404V, L450V.
Identifiers: ClinVar variation 5031389 (VCV005031389.1).
Genomic context (GRCh38, chr16:2,070,549, plus strand): 5'-ACGCGTGTGTATGAGATGCTGGTCAGCCACATTCAGCTCCACTACAAGCACAGCTACACC[C>G]TGCCAATCGCGAGCAGCATCCGGCTGCAGGTATGGTGGCTGGGGTTGCGCAGCCAGTTCC-3'
Protein context (NP_000539.2, residues 594-614): IQLHYKHSYT[Leu604Val]PIASSIRLQA

ClinVar aggregate classification (germline): Uncertain significance (1 of 4 stars; one submission).

Conditions:
Hereditary cancer-predisposing syndrome. Also called: Neoplastic Syndromes, Hereditary; Tumor predisposition; Hereditary neoplastic syndrome; Hereditary Cancer Syndrome. Identifiers: Orphanet 140162, MedGen C0027672, MeSH D009386, MONDO:0015356.

Submission:

Ambry Genetics
Classification: Uncertain significance for Hereditary cancer-predisposing syndrome. Last evaluated: 2026-08-20. Review status: criteria provided, single submitter. Criteria: Ambry Variant Classification Scheme 2023. Collection method: clinical testing. Allele origin: germline.
Comment: The p.L604V variant (also known as c.1810C>G), located in coding exon 16 of the TSC2 gene, results from a C to G substitution at nucleotide position 1810. The leucine at codon 604 is replaced by valine, an amino acid with highly similar properties. This amino acid position is conserved. In addition, the in silico prediction for this alteration is inconclusive. Based on the available evidence, the clinical significance of this variant remains unclear.